The following is an entry in ClinVar:

ClinVar aggregate classification (germline): Uncertain significance (1 of 4 stars; one submission).

Conditions:
IMPG1-related disorder. Also called: IMPG1-related condition.

gnomAD v4.1: 3 of 1,553,650 alleles (0.00019%); highest among the groups gnomAD compares: South Asian, 0.0011%; no homozygotes.

Submission:

PreventionGenetics, part of Exact Sciences
Classification: Uncertain significance for IMPG1-related condition. Last evaluated: 2025-07-16. Review status: criteria provided, single submitter. Criteria: ACMG Guidelines, 2015. Collection method: clinical testing. Allele origin: germline.
Comment: The IMPG1 c.825G>A variant is not predicted to result in an amino acid change (p.=). To our knowledge, this variant has not been reported in the literature. This variant is predicted to alter splicing based on available splicing prediction programs (SpliceAI, Jaganathan et al. 2019. PubMed ID: 30661751). However, the use of computer prediction programs is not equivalent to functional evidence. This variant is reported in 0.0018% of alleles in individuals of European (Non-Finnish) descent in gnomAD. At this time, the clinical significance of this variant is uncertain due to the absence of conclusive functional and genetic evidence.

NM_001563.4(IMPG1):c.825G>A (p.Lys275=)

Gene: IMPG1 (interphotoreceptor matrix proteoglycan 1; minus strand). Cytogenetic location: 6q14.1.
Variant type: single nucleotide variant.
Coding change: c.825G>A on transcript NM_001563.4 (MANE Select); coding-DNA position 825, G replaced by A.
Protein change: p.Lys275=; no amino-acid change (lysine 275 retained).
Molecular consequence: synonymous variant.
Genome position (GRCh38, 1-based): chr6:76,011,207, C>T on the plus strand (G>A on the coding strand, the complement: IMPG1 is on the minus strand). VCF-style: chr6-76011207-C-T. GRCh37 (hg19) VCF-style: chr6-76720924-C-T.
Other names: c.591G>A, p.Lys197= (NM_001282368.2).
Identifiers: ClinVar variation 4987663 (VCV004987663.1).